The following is an entry in ClinVar:

NM_020964.3(EPG5):c.1261_1263del (p.Gln421del)

Genes: EPG5 (ectopic P-granules 5 autophagy tethering factor; minus strand), LOC126862737 (P300/CBP strongly-dependent group 1 enhancer GRCh37_chr18:43530707-43531906; plus strand). Cytogenetic location: 18q21.1.
Variant type: Deletion.
Coding change: c.1261_1263del on transcript NM_020964.3 (MANE Select); coding-DNA positions 1261 to 1263, 3 bases deleted (CAG; older notation c.1261_1263delCAG).
Protein change: p.Gln421del; deletes glutamine 421.
Molecular consequence: inframe deletion. On other transcripts: inframe indel (2).
Genome position (GRCh38, 1-based): chr18:45,951,228-45,951,230, CTG deleted on the plus strand (CAG on the coding strand, the reverse complement: EPG5 is on the minus strand); deleting any 3 consecutive bases within chr18:45,951,228-45,951,232 gives the same sequence; the c. name uses the placement nearest the transcript's 3' end. VCF-style (leftmost placement, unchanged base first): chr18-45951227-TCTG-T. GRCh37 (hg19) VCF-style: chr18-43531193-TCTG-T.
Other names: c.1259_1261delAGC, p.Gln421del (NM_001410858.1, NM_001410859.1); short protein forms Q421del.
Identifiers: ClinVar variation 2031550 (VCV002031550.4), dbSNP rs2512092539, ClinGen allele CA2580095708.

ClinVar aggregate classification (germline): Uncertain significance (1 of 4 stars; one submission).

Conditions:
Vici syndrome (VICIS). Identifiers: Orphanet 1493, MedGen C1855772, MONDO:0009452, OMIM 242840.

Submission:

Labcorp Genetics (formerly Invitae), Labcorp
Classification: Uncertain significance for Vici syndrome. Last evaluated: 2022-09-21. Review status: criteria provided, single submitter. Criteria: Invitae Variant Classification Sherloc (09022015). Collection method: clinical testing. Allele origin: germline.
Comment: This variant, c.1261_1263del, results in the deletion of 1 amino acid(s) of the EPG5 protein (p.Gln421del), but otherwise preserves the integrity of the reading frame. This variant has not been reported in the literature in individuals affected with EPG5-related conditions. This variant is not present in population databases (gnomAD no frequency). In summary, the available evidence is currently insufficient to determine the role of this variant in disease. Therefore, it has been classified as a Variant of Uncertain Significance. Experimental studies and prediction algorithms are not available or were not evaluated, and the functional significance of this variant is currently unknown.